The following is an entry in ClinVar:

NM_004656.4(BAP1):c.1842del (p.Met615fs)

Gene: BAP1 (BRCA1 associated deubiquitinase 1; minus strand). Cytogenetic location: 3p21.1.
Variant type: Deletion.
Coding change: c.1842del on transcript NM_004656.4 (MANE Select); coding-DNA position 1842, one base deleted (G; older notation c.1842delG).
Protein change: p.Met615fs; shifts the reading frame from methionine 615.
Molecular consequence: frameshift variant.
Genome position (GRCh38, 1-based): chr3:52,403,186, C deleted on the plus strand (G on the coding strand, the reverse complement: BAP1 is on the minus strand); the first of 4 consecutive C bases (chr3:52,403,186-52,403,189); deleting any one gives the same sequence. VCF-style (leftmost placement, unchanged base first): chr3-52403185-TC-T. GRCh37 (hg19) VCF-style: chr3-52437201-TC-T.
Other names: c.1842delG (NM_004656.2); c.1785delG, p.Met597Trpfs (NM_001410772.1); short protein forms M615fs.
Identifiers: ClinVar variation 1995559 (VCV001995559.5), dbSNP rs2471324788, ClinGen allele CA645529891.

ClinVar aggregate classification (germline): Pathogenic. Review status: criteria provided, multiple submitters, no conflicts (2 of 4 stars). 2 submissions from 2 submitters: Pathogenic (2). Last evaluated 2025-06-24.

Conditions:
BAP1-related tumor predisposition syndrome (TPDS1). Also called: BAP1 tumor predisposition syndrome; Tumor susceptibility linked to germline BAP1 mutations; COMMON Syndrome; TUMOR PREDISPOSITION SYNDROME 1. Identifiers: Orphanet 289539, MedGen C3280492, MONDO:0013692, OMIM 614327.
Hereditary cancer-predisposing syndrome. Also called: Neoplastic Syndromes, Hereditary; Hereditary neoplastic syndrome; Tumor predisposition; Hereditary Cancer Syndrome. Identifiers: Orphanet 140162, MedGen C0027672, MeSH D009386, MONDO:0015356.

Submissions (2):

Ambry Genetics
Classification: Pathogenic for Hereditary cancer-predisposing syndrome. Last evaluated: 2025-06-24. Review status: criteria provided, single submitter. Criteria: Ambry Variant Classification Scheme 2023. Collection method: clinical testing. Allele origin: germline.
Comment: The c.1842delG pathogenic mutation, located in coding exon 14 of the BAP1 gene, results from a deletion of one nucleotide at nucleotide position 1842, causing a translational frameshift with a predicted alternate stop codon (p.M615Wfs*2). This variant was reported in individual(s) with features consistent with BAP1-related tumor predisposition syndrome (Ambry internal data). This variant is considered to be rare based on population cohorts in the Genome Aggregation Database (gnomAD). This alteration is expected to result in loss of function by premature protein truncation or nonsense-mediated mRNA decay. As such, this alteration is interpreted as a disease-causing mutation.

Labcorp Genetics (formerly Invitae), Labcorp
Classification: Pathogenic for BAP1-related tumor predisposition syndrome. Last evaluated: 2022-05-17. Review status: criteria provided, single submitter. Criteria: Invitae Variant Classification Sherloc (09022015). Collection method: clinical testing. Allele origin: germline.
Comment: For these reasons, this variant has been classified as Pathogenic. Algorithms developed to predict the effect of sequence changes on RNA splicing suggest that this variant may create or strengthen a splice site. This variant has not been reported in the literature in individuals affected with BAP1-related conditions. This variant is not present in population databases (gnomAD no frequency). This sequence change creates a premature translational stop signal (p.Met615Trpfs*2) in the BAP1 gene. It is expected to result in an absent or disrupted protein product. Loss-of-function variants in BAP1 are known to be pathogenic (PMID: 21874000, 23684012).

Literature cited by the submitters: PubMed 21874000 (cited by Labcorp Genetics (formerly Invitae), Labcorp); PubMed 23684012 (cited by Labcorp Genetics (formerly Invitae), Labcorp).